The following is an entry in ClinVar:

NM_001384732.1(CPLANE1):c.4973A>T (p.Lys1658Ile)

Gene: CPLANE1 (ciliogenesis and planar polarity effector complex subunit 1; minus strand). Cytogenetic location: 5p13.2.
Variant type: single nucleotide variant.
Coding change: c.4973A>T on transcript NM_001384732.1 (MANE Select); coding-DNA position 4973, A replaced by T.
Protein change: p.Lys1658Ile; replaces lysine 1658 with isoleucine.
Molecular consequence: missense variant.
Genome position (GRCh38, 1-based): chr5:37,183,208, T>A on the plus strand (A>T on the coding strand, the complement: CPLANE1 is on the minus strand). VCF-style: chr5-37183208-T-A. GRCh37 (hg19) VCF-style: chr5-37183310-T-A.
Other names: c.4973A>T (NM_023073.3); c.4973A>T, p.Lys1658Ile (NM_023073.4); short protein forms K1658I.
Identifiers: ClinVar variation 2193963 (VCV002193963.3), dbSNP rs761598092, ClinGen allele CA3238623.

ClinVar aggregate classification (germline): Uncertain significance. Review status: criteria provided, multiple submitters, no conflicts (2 of 4 stars). 2 submissions from 2 submitters: Uncertain significance (2). Last evaluated 2024-05-22.

Conditions:
Orofaciodigital syndrome type 6 (OFD6). Also called: OROFACIODIGITAL SYNDROME VI; OFDS VI; POLYDACTYLY, CLEFT LIP/PALATE OR LINGUAL LUMP, AND PSYCHOMOTOR RETARDATION; VARADI SYNDROME; VARADI-PAPP SYNDROME; Oral-facial-digital syndrome type 6. Identifiers: Orphanet 2754, MedGen C2745997, MONDO:0010176, OMIM 277170.
Joubert syndrome 17 (JBTS17). Identifiers: Orphanet 475, MedGen C3553264, MONDO:0013824, OMIM 614615.

Allele frequency attached by ClinVar (database versions not stated): ExAC 0.00002.
gnomAD v4.1: 20 of 1,611,398 alleles (0.0012%); highest among the groups gnomAD compares: Admixed American, 0.0034%; no homozygotes.

Submissions (2):

Fulgent Genetics
Classification: Uncertain significance for Orofaciodigital syndrome type 6; Joubert syndrome 17. Last evaluated: 2024-05-22. Review status: criteria provided, single submitter. Criteria: ACMG Guidelines, 2015. Collection method: clinical testing. Allele origin: germline.

Labcorp Genetics (formerly Invitae), Labcorp
Classification: Uncertain significance. Last evaluated: 2023-10-26. Review status: criteria provided, single submitter. Criteria: Invitae Variant Classification Sherloc (09022015). Collection method: clinical testing. Allele origin: germline.
Comment: This sequence change replaces lysine, which is basic and polar, with isoleucine, which is neutral and non-polar, at codon 1658 of the CPLANE1 protein (p.Lys1658Ile). This variant is present in population databases (rs761598092, gnomAD 0.006%). This variant has not been reported in the literature in individuals affected with CPLANE1-related conditions. ClinVar contains an entry for this variant (Variation ID: 2193963). Advanced modeling of protein sequence and biophysical properties (such as structural, functional, and spatial information, amino acid conservation, physicochemical variation, residue mobility, and thermodynamic stability) performed at Invitae indicates that this missense variant is not expected to disrupt CPLANE1 protein function with a negative predictive value of 95%. In summary, the available evidence is currently insufficient to determine the role of this variant in disease. Therefore, it has been classified as a Variant of Uncertain Significance.